The following is an entry in ClinVar:

NM_001287.6(CLCN7):c.2129A>T (p.Asp710Val)

Gene: CLCN7 (Cl-/H+ antiporter 7; minus strand). Cytogenetic location: 16p13.3.
Variant type: single nucleotide variant.
Coding change: c.2129A>T on transcript NM_001287.6 (MANE Select); coding-DNA position 2129, A replaced by T.
Protein change: p.Asp710Val; replaces aspartic acid 710 with valine.
Molecular consequence: missense variant.
Genome position (GRCh38, 1-based): chr16:1,447,513, T>A on the plus strand (A>T on the coding strand, the complement: CLCN7 is on the minus strand). VCF-style: chr16-1447513-T-A. GRCh37 (hg19) VCF-style: chr16-1497514-T-A.
Other names: c.2057A>T, p.Asp686Val (NM_001114331.3); short protein forms D710V, D686V.
Identifiers: ClinVar variation 4780451 (VCV004780451.1).
Genomic context (GRCh38, chr16:1,447,513, plus strand): 5'-TCGTCCTGGGACACGTGGATGGACTGGATGGGTGGGAAGCGCGGGTAGGCGTCTCGGAAG[T>A]CCTTCAGCCTCAGGCGCCGCTGTACCAGGCCCAGGTTGGACCGCTCCACAAACACCTGCG-3'
Protein context (NP_001278.1, residues 700-720): GLVQRRLRLK[Asp710Val]FRDAYPRFPP

ClinVar aggregate classification (germline): Uncertain significance (1 of 4 stars; one submission).

Submission:

Labcorp Genetics (formerly Invitae), Labcorp
Classification: Uncertain significance. Last evaluated: 2025-07-20. Review status: criteria provided, single submitter. Criteria: Invitae Variant Classification Sherloc (09022015). Collection method: clinical testing. Allele origin: germline.
Comment: This sequence change replaces aspartic acid, which is acidic and polar, with valine, which is neutral and non-polar, at codon 710 of the CLCN7 protein (p.Asp710Val). This variant is not present in population databases (gnomAD no frequency). This variant has not been reported in the literature in individuals affected with CLCN7-related conditions. An algorithm developed to predict the effect of missense changes on protein structure and function (PolyPhen-2) suggests that this variant is likely to be tolerated. In summary, the available evidence is currently insufficient to determine the role of this variant in disease. Therefore, it has been classified as a Variant of Uncertain Significance.